The following is an entry in ClinVar:

ClinVar aggregate classification (germline): Likely benign (0 of 4 stars; one submission).

Conditions:
CC2D2A-related disorder. Also called: CC2D2A-related disorders; CC2D2A-related condition. Identifiers: MedGen CN239313.

gnomAD v4.1: 1 of 1,591,640 alleles (0.000063%); no homozygotes.

Submission:

PreventionGenetics, part of Exact Sciences
Classification: Likely benign for CC2D2A-related condition. Last evaluated: 2022-11-24. Review status: no assertion criteria provided. Collection method: clinical testing. Allele origin: germline.
Comment: This variant is classified as likely benign based on ACMG/AMP sequence variant interpretation guidelines (Richards et al. 2015 PMID: 25741868, with internal and published modifications).

NM_001378615.1(CC2D2A):c.2004-10C>G

Genes: FBXL5 (F-box and leucine rich repeat protein 5; minus strand), CC2D2A (coiled-coil and C2 domain containing 2A; plus strand). Cytogenetic location: 4p15.32.
Variant type: single nucleotide variant.
Coding change: c.2004-10C>G on transcript NM_001378615.1 (MANE Select); 10 bases into the intron before coding-DNA position 2004, C replaced by G.
Molecular consequence: intron variant.
Genome position (GRCh38, 1-based): chr4:15,540,827, C>G. VCF-style: chr4-15540827-C-G. GRCh37 (hg19) VCF-style: chr4-15542450-C-G.
Other names: c.2004-10C>G (NM_001080522.2); c.1857-10C>G (NM_001378617.1).
Identifiers: ClinVar variation 3046242 (VCV003046242.2), dbSNP rs2474987810, ClinGen allele CA2670074469.